The following is an entry in ClinVar:

NM_001378969.1(KCND3):c.994del (p.Ile332fs)

Gene: KCND3 (potassium voltage-gated channel subfamily D member 3; minus strand). Cytogenetic location: 1p13.2.
Variant type: Deletion.
Coding change: c.994del on transcript NM_001378969.1 (MANE Select); coding-DNA position 994, one base deleted (A; older notation c.994delA).
Protein change: p.Ile332fs; shifts the reading frame from isoleucine 332.
Molecular consequence: frameshift variant.
Genome position (GRCh38, 1-based): chr1:111,981,733, T deleted on the plus strand (A on the coding strand, the reverse complement: KCND3 is on the minus strand). VCF-style (leftmost placement, unchanged base first): chr1-111981732-AT-A. GRCh37 (hg19) VCF-style: chr1-112524354-AT-A.
Other names: c.994del, p.Ile332fs (NM_001378970.1, NM_004980.5, NM_172198.3); c.994delA, p.Ile332Serfs (NM_004980.4); short protein forms I332fs.
Identifiers: ClinVar variation 3392776 (VCV003392776.1).

ClinVar aggregate classification (germline): Uncertain significance (1 of 4 stars; one submission).

Submission:

GeneDx
Classification: Uncertain significance. Last evaluated: 2024-06-27. Review status: criteria provided, single submitter. Criteria: GeneDx Variant Classification Process June 2021. Collection method: clinical testing. Allele origin: germline. Affected: yes.
Comment: Not observed at significant frequency in large population cohorts (gnomAD); Frameshift variant predicted to result in protein truncation or nonsense mediated decay in a gene or region of a gene for which loss of function is not a well-established mechanism of disease; Has not been previously published as pathogenic or benign to our knowledge